The following is an entry in ClinVar:

ClinVar aggregate classification (germline): Uncertain significance (1 of 4 stars; one submission).

Allele frequency attached by ClinVar (database versions not stated): TOPMed below 0.00001; ExAC 0.00001; gnomAD exomes 0.00004; ESP Exome Variant Server 0.00008.

Submission:

Labcorp Genetics (formerly Invitae), Labcorp
Classification: Uncertain significance. Last evaluated: 2022-04-09. Review status: criteria provided, single submitter. Criteria: Invitae Variant Classification Sherloc (09022015). Collection method: clinical testing. Allele origin: germline.
Comment: This sequence change replaces phenylalanine, which is neutral and non-polar, with leucine, which is neutral and non-polar, at codon 393 of the INPPL1 protein (p.Phe393Leu). This variant is present in population databases (rs376161851, gnomAD 0.003%). This variant has not been reported in the literature in individuals affected with INPPL1-related conditions. Algorithms developed to predict the effect of missense changes on protein structure and function (SIFT, PolyPhen-2, Align-GVGD) all suggest that this variant is likely to be tolerated. In summary, the available evidence is currently insufficient to determine the role of this variant in disease. Therefore, it has been classified as a Variant of Uncertain Significance.

NM_001567.4(INPPL1):c.1177T>C (p.Phe393Leu)

Gene: INPPL1 (inositol polyphosphate phosphatase like 1; plus strand). Cytogenetic location: 11q13.4.
Variant type: single nucleotide variant.
Coding change: c.1177T>C on transcript NM_001567.4 (MANE Select); coding-DNA position 1177, T replaced by C.
Protein change: p.Phe393Leu; replaces phenylalanine 393 with leucine.
Molecular consequence: missense variant.
Genome position (GRCh38, 1-based): chr11:72,230,448, T>C. VCF-style: chr11-72230448-T-C. GRCh37 (hg19) VCF-style: chr11-71941492-T-C.
Other names: short protein forms F393L.
Identifiers: ClinVar variation 2059358 (VCV002059358.1), dbSNP rs376161851, ClinGen allele CA6169925.